The following is an entry in ClinVar:

ClinVar aggregate classification (germline): Uncertain significance (1 of 4 stars; one submission).

Conditions:
Charcot-Marie-Tooth disease dominant intermediate F. Identifiers: Orphanet 352670, MedGen C4749463, MONDO:0014074, OMIM 615185.

Allele frequency attached by ClinVar (database versions not stated): gnomAD 0.00001.

Submission:

Labcorp Genetics (formerly Invitae), Labcorp
Classification: Uncertain significance for Charcot-Marie-Tooth disease dominant intermediate F. Last evaluated: 2019-08-09. Review status: criteria provided, single submitter. Criteria: Invitae Variant Classification Sherloc (09022015). Collection method: clinical testing. Allele origin: germline.
Comment: This sequence change affects an acceptor splice site in intron 4 of the GNB4 gene. It is expected to disrupt RNA splicing and likely results in an absent or disrupted protein product. This variant is not present in population databases (ExAC no frequency). In summary, the available evidence is currently insufficient to determine the role of this variant in disease. Therefore, it has been classified as a Variant of Uncertain Significance. The current clinical and genetic evidence is not sufficient to establish whether loss-of-function variants in GNB4 cause disease.

NM_021629.4(GNB4):c.204-2A>G

Gene: GNB4 (G protein subunit beta 4; minus strand). Cytogenetic location: 3q26.33.
Variant type: single nucleotide variant.
Coding change: c.204-2A>G on transcript NM_021629.4 (MANE Select); the canonical splice acceptor site of the intron before coding-DNA position 204, A replaced by G.
Molecular consequence: splice acceptor variant.
Genome position (GRCh38, 1-based): chr3:179,416,558, T>C on the plus strand (A>G on the coding strand, the complement: GNB4 is on the minus strand). VCF-style: chr3-179416558-T-C. GRCh37 (hg19) VCF-style: chr3-179134346-T-C.
Identifiers: ClinVar variation 950116 (VCV000950116.10), dbSNP rs1410643364, ClinGen allele CA355470582.